The following is an entry in ClinVar:

NM_015512.5(DNAH1):c.6240G>C (p.Lys2080Asn)

Gene: DNAH1 (dynein axonemal heavy chain 1; plus strand). Cytogenetic location: 3p21.1.
Variant type: single nucleotide variant.
Coding change: c.6240G>C on transcript NM_015512.5 (MANE Select); coding-DNA position 6240, G replaced by C.
Protein change: p.Lys2080Asn; replaces lysine 2080 with asparagine.
Molecular consequence: missense variant.
Genome position (GRCh38, 1-based): chr3:52,370,211, G>C. VCF-style: chr3-52370211-G-C. GRCh37 (hg19) VCF-style: chr3-52404227-G-C.
Other names: short protein forms K2080N.
Identifiers: ClinVar variation 946313 (VCV000946313.7), dbSNP rs1302883143, ClinGen allele CA353157931.

ClinVar aggregate classification (germline): Uncertain significance. Review status: criteria provided, multiple submitters, no conflicts (2 of 4 stars). 2 submissions from 2 submitters: Uncertain significance (2). Last evaluated 2024-07-25.

Conditions:
Ciliary dyskinesia, primary, 37 (CILD37). Also called: CILIARY DYSKINESIA, PRIMARY, 37, WITH OR WITHOUT SITUS INVERSUS. Identifiers: MedGen C4539798, MONDO:0033204, OMIM 617577.
Spermatogenic failure 18. Identifiers: MedGen C4539783, MONDO:0054615, OMIM 617576.

Allele frequency attached by ClinVar (database versions not stated): TOPMed 0.00001; gnomAD exomes 0.00002.
gnomAD v4.1: 28 of 1,613,806 alleles (0.0017%); highest among the groups gnomAD compares: African/African-American, 0.0027%; no homozygotes.

Submissions (2):

Ambry Genetics
Classification: Uncertain significance. Last evaluated: 2024-07-25. Review status: criteria provided, single submitter. Criteria: Ambry Variant Classification Scheme 2023. Collection method: clinical testing. Allele origin: germline.

Labcorp Genetics (formerly Invitae), Labcorp
Classification: Uncertain significance for Ciliary dyskinesia, primary, 37; Spermatogenic failure 18. Last evaluated: 2019-04-18. Review status: criteria provided, single submitter. Criteria: Invitae Variant Classification Sherloc (09022015). Collection method: clinical testing. Allele origin: germline.
Comment: Algorithms developed to predict the effect of missense changes on protein structure and function (SIFT, PolyPhen-2, Align-GVGD) all suggest that this variant is likely to be tolerated, but these predictions have not been confirmed by published functional studies and their clinical significance is uncertain. This variant has not been reported in the literature in individuals with DNAH1-related conditions. This variant is not present in population databases (ExAC no frequency). This sequence change replaces lysine with asparagine at codon 2080 of the DNAH1 protein (p.Lys2080Asn). The lysine residue is moderately conserved and there is a moderate physicochemical difference between lysine and asparagine. In summary, the available evidence is currently insufficient to determine the role of this variant in disease. Therefore, it has been classified as a Variant of Uncertain Significance.